The following is an entry in ClinVar:

ClinVar aggregate classification (germline): Uncertain significance (1 of 4 stars; one submission).

Conditions:
Familial encephalopathy with neuroserpin inclusion bodies. Also called: ENCEPHALOPATHY, FAMILIAL, WITH COLLINS BODIES. Identifiers: Orphanet 85110, MedGen C1858680, MONDO:0011412, OMIM 604218.

Submission:

Labcorp Genetics (formerly Invitae), Labcorp
Classification: Uncertain significance for Familial encephalopathy with neuroserpin inclusion bodies. Last evaluated: 2020-02-21. Review status: criteria provided, single submitter. Criteria: Invitae Variant Classification Sherloc (09022015). Collection method: clinical testing. Allele origin: germline.
Comment: This sequence change replaces tyrosine with phenylalanine at codon 104 of the SERPINI1 protein (p.Tyr104Phe). The tyrosine residue is highly conserved and there is a small physicochemical difference between tyrosine and phenylalanine. This variant is not present in population databases (ExAC no frequency). This variant has not been reported in the literature in individuals with SERPINI1-related conditions. Algorithms developed to predict the effect of missense changes on protein structure and function are either unavailable or do not agree on the potential impact of this missense change (SIFT: "Deleterious"; PolyPhen-2: "Possibly Damaging"; Align-GVGD: "Class C0"). In summary, the available evidence is currently insufficient to determine the role of this variant in disease. Therefore, it has been classified as a Variant of Uncertain Significance.

NM_001122752.2(SERPINI1):c.311A>T (p.Tyr104Phe)

Gene: SERPINI1 (serpin family I member 1; plus strand). Cytogenetic location: 3q26.1.
Variant type: single nucleotide variant.
Coding change: c.311A>T on transcript NM_001122752.2 (MANE Select); coding-DNA position 311, A replaced by T.
Protein change: p.Tyr104Phe; replaces tyrosine 104 with phenylalanine.
Molecular consequence: missense variant.
Genome position (GRCh38, 1-based): chr3:167,790,432, A>T. VCF-style: chr3-167790432-A-T. GRCh37 (hg19) VCF-style: chr3-167508220-A-T.
Other names: c.311A>T, p.Tyr104Phe (NM_005025.5); short protein forms Y104F.
Identifiers: ClinVar variation 1014022 (VCV001014022.9), dbSNP rs1727464670, ClinGen allele CA355156019.